The following is an entry in ClinVar:

ClinVar aggregate classification (germline): Likely benign. Review status: criteria provided, single submitter (1 of 4 stars). 2 submissions from 2 submitters: Likely benign (1). 1 of the submissions does not count toward it. Last evaluated 2023-02-18.

Conditions:
GYG1-related disorder. Also called: GYG1-related condition.
Glycogen storage disease XV (GSD15). Also called: GLYCOGENIN DEFICIENCY; GSD XV. Identifiers: Orphanet 263297, MedGen C3150754, MONDO:0013291, OMIM 613507.
Polyglucosan body myopathy type 2. Identifiers: Orphanet 456369, MedGen C4015452, MONDO:0014526, OMIM 616199.

Allele frequency attached by ClinVar (database versions not stated): gnomAD exomes below 0.00001.
gnomAD v4.1: 4 of 1,613,770 alleles (0.00025%); highest among the groups gnomAD compares: Non-Finnish European, 0.00034%; no homozygotes.

Submissions (2):

Labcorp Genetics (formerly Invitae), Labcorp
Classification: Likely benign for Polyglucosan body myopathy type 2; Glycogen storage disease XV. Last evaluated: 2023-02-18. Review status: criteria provided, single submitter. Criteria: Invitae Variant Classification Sherloc (09022015). Collection method: clinical testing. Allele origin: germline.

PreventionGenetics, part of Exact Sciences
Classification: Likely benign for GYG1-related condition. Last evaluated: 2023-08-05. Review status: no assertion criteria provided. Collection method: clinical testing. Allele origin: germline. Not counted in ClinVar's aggregate classification.
Comment: This variant is classified as likely benign based on ACMG/AMP sequence variant interpretation guidelines (Richards et al. 2015 PMID: 25741868, with internal and published modifications).

NM_004130.4(GYG1):c.765C>T (p.Thr255=)

Gene: GYG1 (glycogenin 1; plus strand). Cytogenetic location: 3q24.
Variant type: single nucleotide variant.
Coding change: c.765C>T on transcript NM_004130.4 (MANE Select); coding-DNA position 765, C replaced by T.
Protein change: p.Thr255=; no amino-acid change (threonine 255 retained).
Molecular consequence: synonymous variant. On other transcripts: intron variant (1).
Genome position (GRCh38, 1-based): chr3:149,024,209, C>T. VCF-style: chr3-149024209-C-T. GRCh37 (hg19) VCF-style: chr3-148741996-C-T.
Other names: c.765C>T, p.Thr255= (NM_001184720.2); c.609-2551C>T (NM_001184721.2); c.765C>T (NM_004130.3).
Identifiers: ClinVar variation 2926234 (VCV002926234.5), dbSNP rs2472757984, ClinGen allele CA436203045.